The following is an entry in ClinVar:

ClinVar aggregate classification (germline): Uncertain significance (1 of 4 stars; one submission).

Conditions:
Hereditary diffuse gastric adenocarcinoma (HDGC). Also called: DIFFUSE GASTRIC AND LOBULAR BREAST CANCER SYNDROME. Identifiers: Orphanet 26106, MedGen C1708349, MONDO:0007648, OMIM 137215.

Submission:

Labcorp Genetics (formerly Invitae), Labcorp
Classification: Uncertain significance for Hereditary diffuse gastric adenocarcinoma. Last evaluated: 2022-03-10. Review status: criteria provided, single submitter. Criteria: Invitae Variant Classification Sherloc (09022015). Collection method: clinical testing. Allele origin: germline.
Comment: This sequence change replaces leucine, which is neutral and non-polar, with methionine, which is neutral and non-polar, at codon 729 of the CDH1 protein (p.Leu729Met). This variant is not present in population databases (gnomAD no frequency). This variant has not been reported in the literature in individuals affected with CDH1-related conditions. ClinVar contains an entry for this variant (Variation ID: 1053753). Algorithms developed to predict the effect of missense changes on protein structure and function are either unavailable or do not agree on the potential impact of this missense change (SIFT: "Tolerated"; PolyPhen-2: "Probably Damaging"; Align-GVGD: "Class C0"). In summary, the available evidence is currently insufficient to determine the role of this variant in disease. Therefore, it has been classified as a Variant of Uncertain Significance.

NM_004360.5(CDH1):c.2185C>A (p.Leu729Met)

Gene: CDH1 (cadherin 1; plus strand). Cytogenetic location: 16q22.1.
Variant type: single nucleotide variant.
Coding change: c.2185C>A on transcript NM_004360.5 (MANE Select); coding-DNA position 2185, C replaced by A.
Protein change: p.Leu729Met; replaces leucine 729 with methionine.
Molecular consequence: missense variant.
Genome position (GRCh38, 1-based): chr16:68,828,194, C>A. VCF-style: chr16-68828194-C-A. GRCh37 (hg19) VCF-style: chr16-68862097-C-A.
Other names: c.2002C>A, p.Leu668Met (NM_001317184.2); c.637C>A, p.Leu213Met (NM_001317185.2); c.220C>A, p.Leu74Met (NM_001317186.2); short protein forms L213M, L668M, L729M, L74M.
Identifiers: ClinVar variation 1053753 (VCV001053753.9), dbSNP rs2152141393, ClinGen allele CA396469360.